The following is an entry in ClinVar:

ClinVar aggregate classification (germline): Uncertain significance (1 of 4 stars; one submission).

gnomAD v4.1: 5 of 1,514,594 alleles (0.00033%); highest among the groups gnomAD compares: Middle Eastern, 0.019%; no homozygotes.

Submission:

Greenwood Genetic Center Diagnostic Laboratories, Greenwood Genetic Center
Classification: Uncertain significance. Last evaluated: 2025-02-07. Review status: criteria provided, single submitter. Criteria: ACMG Guidelines, 2015. Collection method: clinical testing. Allele origin: germline.
Comment: PM2, BP4

NM_005762.3(TRIM28):c.237C>T (p.Arg79=)

Genes: TRIM28 (tripartite motif containing 28; plus strand), LOC130065239 (ATAC-STARR-seq lymphoblastoid silent region 11093; plus strand). Cytogenetic location: 19q13.43.
Variant type: single nucleotide variant.
Coding change: c.237C>T on transcript NM_005762.3 (MANE Select); coding-DNA position 237, C replaced by T.
Protein change: p.Arg79=; no amino-acid change (arginine 79 retained).
Molecular consequence: synonymous variant.
Genome position (GRCh38, 1-based): chr19:58,544,994, C>T. VCF-style: chr19-58544994-C-T. GRCh37 (hg19) VCF-style: chr19-59056361-C-T.
Identifiers: ClinVar variation 4851660 (VCV004851660.1).